The following is an entry in ClinVar:

ClinVar aggregate classification (germline): Uncertain significance. Review status: criteria provided, multiple submitters, no conflicts (2 of 4 stars). 3 submissions from 3 submitters: Uncertain significance (3). Last evaluated 2025-04-11.

Conditions:
X-linked Alport syndrome (ATS1). Also called: COL4A5-Related Nephropathy; NEPHROPATHY AND DEAFNESS, X-LINKED. Identifiers: Orphanet 63, Orphanet 88917, MedGen C4746986, MONDO:0010520, OMIM 301050.

Submissions (3):

Labcorp Genetics (formerly Invitae), Labcorp
Classification: Uncertain significance. Last evaluated: 2025-04-11. Review status: criteria provided, single submitter. Criteria: Invitae Variant Classification Sherloc (09022015). Collection method: clinical testing. Allele origin: germline.
Comment: This sequence change falls in intron 10 of the COL4A5 gene. It does not directly change the encoded amino acid sequence of the COL4A5 protein. It affects a nucleotide within the consensus splice site. This variant is not present in population databases (gnomAD no frequency). This variant has been observed in individual(s) with hematuria (internal data). ClinVar contains an entry for this variant (Variation ID: 1705722). Variants that disrupt the consensus splice site are a relatively common cause of aberrant splicing (PMID: 17576681, 9536098). Algorithms developed to predict the effect of sequence changes on RNA splicing suggest that this variant may disrupt the consensus splice site. In summary, the available evidence is currently insufficient to determine the role of this variant in disease. Therefore, it has been classified as a Variant of Uncertain Significance.

3billion
Classification: Uncertain significance for X-linked Alport syndrome. Last evaluated: 2022-09-01. Review status: criteria provided, single submitter. Criteria: ACMG Guidelines, 2015. Collection method: clinical testing. Allele origin: germline. Affected: yes. Observed: 1 hemizygote.
Comment: The variant is not observed in the gnomAD v2.1.1 dataset. In silico tools predict the variant to alter splicing and produce an abnormal transcript (SpliceAI: 0.73). However, the evidence of pathogenicity is insufficient at this time. Therefore, this variant is classified as uncertain significance according to the recommendation of ACMG/AMP guideline.

Blueprint Genetics
Classification: Uncertain significance. Last evaluated: 2022-01-18. Review status: criteria provided, single submitter. Criteria: ACMG Guidelines, 2015. Collection method: clinical testing. Allele origin: germline.

Literature cited by the submitters: PubMed 17576681 (cited by Labcorp Genetics (formerly Invitae), Labcorp); PubMed 9536098 (cited by Labcorp Genetics (formerly Invitae), Labcorp).

NM_033380.3(COL4A5):c.609+5G>A

Gene: COL4A5 (collagen type IV alpha 5 chain; plus strand). Cytogenetic location: Xq22.3.
Variant type: single nucleotide variant.
Coding change: c.609+5G>A on transcript NM_033380.3 (MANE Select); 5 bases into the intron after coding-DNA position 609, G replaced by A.
Molecular consequence: intron variant.
Genome position (GRCh38, 1-based): chrX:108,575,977, G>A. VCF-style: chrX-108575977-G-A. GRCh37 (hg19) VCF-style: chrX-107819207-G-A.
Other names: c.609+5G>A (NM_000495.5).
Identifiers: ClinVar variation 1705722 (VCV001705722.4), dbSNP rs1242640311, ClinGen allele CA643749773.